The following is an entry in ClinVar:

ClinVar aggregate classification (germline): Uncertain significance (1 of 4 stars; one submission).

Conditions:
Ehlers-Danlos syndrome, type 4 (EDSVASC). Also called: Ehlers-Danlos syndrome vascular type; Ehlers Danlos syndrome, ecchymotic type; Ehlers Danlos syndrome, arterial type; Ehlers Danlos syndrome, Sack-Barabas type; Ehlers-Danlos Syndrome Type IV. Identifiers: Orphanet 286, MedGen C0268338, MONDO:0017314, OMIM 130050.

Submission:

All of Us Research Program, National Institutes of Health
Classification: Uncertain significance for Ehlers-Danlos syndrome, type 4. Last evaluated: 2024-07-29. Review status: criteria provided, single submitter. Criteria: ACMG Guidelines, 2015. Collection method: clinical testing. Allele origin: germline. Inheritance: Autosomal dominant inheritance. Observed: 1 variant allele, 1 heterozygote.
Comment: This missense variant replaces alanine with threonine at codon 670 of the COL3A1 protein. Computational prediction suggests that this variant may not impact protein structure and function (internally defined REVEL score threshold <= 0.5, PMID: 27666373). To our knowledge, functional studies have not been reported for this variant. This variant has not been reported in individuals affected with COL3A1-related disorders in the literature. This variant has been identified in 1/251158 chromosomes in the general population by the Genome Aggregation Database (gnomAD). The available evidence is insufficient to determine the role of this variant in disease conclusively. Therefore, this variant is classified as a Variant of Uncertain Significance.

This study involves interpretation of variants in research participants for the purpose of population health screening. Participant phenotype was not available at the time of variant classification. Additional details can be found in publication PMID: 35346344, PMCID: PMC8962531

NM_000090.4(COL3A1):c.2008G>A (p.Ala670Thr)

Gene: COL3A1 (collagen type III alpha 1 chain; plus strand). Cytogenetic location: 2q32.2.
Variant type: single nucleotide variant.
Coding change: c.2008G>A on transcript NM_000090.4 (MANE Select); coding-DNA position 2008, G replaced by A.
Protein change: p.Ala670Thr; replaces alanine 670 with threonine.
Molecular consequence: missense variant.
Genome position (GRCh38, 1-based): chr2:188,998,704, G>A. VCF-style: chr2-188998704-G-A. GRCh37 (hg19) VCF-style: chr2-189863430-G-A.
Other names: short protein forms A670T.
Identifiers: ClinVar variation 3386459 (VCV003386459.1).
Genomic context (GRCh38, chr2:188,998,704, plus strand): 5'-GGGCCTAATCATATAATGCCAATCTCCCAGGGTCCAAAGGGTGATGCCGGTGCACCTGGA[G>A]CTCCAGGAGGCAAGGTAGTATTTCAATTTATTCTCTACCTTCTTCAGCAGGTTATAGAGC-3'
Protein context (NP_000081.2, residues 660-680): GPKGDAGAPG[Ala670Thr]PGGKGDAGAP